The following is an entry in ClinVar:

NM_022124.6(CDH23):c.9758A>C (p.Asp3253Ala)

Gene: CDH23 (cadherin related 23; plus strand). Cytogenetic location: 10q22.1.
Variant type: single nucleotide variant.
Coding change: c.9758A>C on transcript NM_022124.6 (MANE Select); coding-DNA position 9758, A replaced by C.
Protein change: p.Asp3253Ala; replaces aspartic acid 3253 with alanine.
Molecular consequence: missense variant.
Genome position (GRCh38, 1-based): chr10:71,814,971, A>C. VCF-style: chr10-71814971-A-C. GRCh37 (hg19) VCF-style: chr10-73574728-A-C.
Other names: c.3038A>C, p.Asp1013Ala (NM_001171933.1); c.2933A>C, p.Asp978Ala (NM_001171934.1); c.449A>C, p.Asp150Ala (NM_001171935.1); c.344A>C, p.Asp115Ala (NM_001171936.1); short protein forms D3253A, D1013A, D150A, D115A, D978A.
Identifiers: ClinVar variation 46079 (VCV000046079.50), dbSNP rs140463385, ClinGen allele CA137647.

ClinVar aggregate classification (germline): Benign/Likely benign. Review status: criteria provided, multiple submitters, no conflicts (2 of 4 stars). 11 submissions from 10 submitters: Benign (7); Likely benign (3). 1 of the submissions does not count toward it. Last evaluated 2026-05-01.

Conditions:
Usher syndrome type 1 (USH1). Also called: RETINITIS PIGMENTOSA AND CONGENITAL DEAFNESS. Identifiers: Orphanet 231169, Orphanet 886, MedGen C1568247, MONDO:0010168, OMIM 276900.
Autosomal recessive nonsyndromic hearing loss 12. Also called: DEAFNESS, AUTOSOMAL RECESSIVE 12. Identifiers: Orphanet 90636, MedGen C1832394, MONDO:0011067, OMIM 601386.
Usher syndrome type 1D (USH1D). Also called: USHER SYNDROME, TYPE ID. Identifiers: Orphanet 231169, Orphanet 886, MedGen C1832845, MONDO:0010984, OMIM 601067.

Allele frequency attached by ClinVar (database versions not stated): gnomAD 0.00447 and 0.00463; ESP Exome Variant Server 0.00266; ExAC 0.00344; 1000 Genomes Project 30x 0.00671; TOPMed 0.00491; gnomAD exomes 0.00139 and 0.00291; 1000 Genomes Project 0.00719.
gnomAD v4.1: 2,823 of 1,611,996 alleles (0.18%); highest among the groups gnomAD compares: African/African-American, 1.4%; 26 homozygotes.

Submissions (11):

CeGaT Center for Human Genetics Tuebingen
Classification: Benign. Last evaluated: 2026-05-01. Review status: criteria provided, single submitter. Criteria: CeGaT Center For Human Genetics Tuebingen Variant Classification Criteria Version 2. Collection method: clinical testing. Allele origin: germline. Affected: yes. Observed: 4 variant alleles.
Comment: CDH23: BP4, BS1, BS2

Labcorp Genetics (formerly Invitae), Labcorp
Classification: Benign. Last evaluated: 2026-02-01. Review status: criteria provided, single submitter. Criteria: Invitae Variant Classification Sherloc (09022015). Collection method: clinical testing. Allele origin: germline.

Genomic Medicine Center of Excellence, King Faisal Specialist Hospital and Research Centre
Classification: Likely benign. Last evaluated: 2025-08-18. Review status: criteria provided, single submitter. Criteria: ACMG Guidelines, 2015. Collection method: clinical testing. Allele origin: germline.

GeneDx
Classification: Benign. Last evaluated: 2018-10-16. Review status: criteria provided, single submitter. Criteria: GeneDx Variant Classification Process June 2021. Collection method: clinical testing. Allele origin: germline. Affected: yes.

Illumina Laboratory Services, Illumina
Classification: Likely benign for Autosomal recessive nonsyndromic hearing loss 12. Last evaluated: 2017-04-27. Review status: criteria provided, single submitter. Criteria: ICSL Variant Classification Criteria 13 December 2019. Collection method: clinical testing. Allele origin: germline.
Comment: This variant was observed as part of a predisposition screen in an ostensibly healthy population. A literature search was performed for the gene, cDNA change, and amino acid change (where applicable). Publications were found based on this search. The evidence from the literature, in combination with allele frequency data from public databases where available, was sufficient to determine this variant is unlikely to cause disease. Therefore, this variant is classified as likely benign.

Illumina Laboratory Services, Illumina
Classification: Benign for Usher syndrome type 1D. Last evaluated: 2017-04-27. Review status: criteria provided, single submitter. Criteria: ICSL Variant Classification Criteria 13 December 2019. Collection method: clinical testing. Allele origin: germline.
Comment: This variant was observed as part of a predisposition screen in an ostensibly healthy population. A literature search was performed for the gene, cDNA change, and amino acid change (where applicable). No publications were found based on this search. Allele frequency data from public databases was too high to be consistent with this variant causing disease. Therefore, this variant is classified as benign.

Eurofins Ntd Llc (ga)
Classification: Benign. Last evaluated: 2013-10-29. Review status: criteria provided, single submitter. Criteria: EGL Classification Definitions 2015. Collection method: clinical testing. Allele origin: germline. Observed: 1 variant allele, 1 heterozygote.

Laboratory for Molecular Medicine, Mass General Brigham Personalized Medicine
Classification: Benign. Last evaluated: 2012-05-15. Review status: criteria provided, single submitter. Criteria: LMM Criteria. Collection method: clinical testing. Allele origin: germline. Observed: 19 variant alleles.
Comment: Asp3253Ala in Exon 70 of CDH23: This variant is not expected to have clinical si gnificance because it has been identified in 0.7% (25/3392) of African American chromosomes from a broad population by the NHLBI Exome Sequencing Project (dbSNP rs140463385).

Breakthrough Genomics
Classification: Likely benign. Review status: criteria provided, single submitter. Criteria: ACMG Guidelines, 2015. Collection method: not provided. Allele origin: germline. Inheritance: Autosomal recessive inheritance. Affected: yes.

PreventionGenetics, part of Exact Sciences
Classification: Benign. Review status: criteria provided, single submitter. Criteria: ACMG Guidelines, 2015. Collection method: clinical testing. Allele origin: germline.

Natera, Inc.
Classification: Benign for Usher syndrome type 1. Last evaluated: 2020-09-16. Review status: no assertion criteria provided. Collection method: clinical testing. Allele origin: germline. Not counted in ClinVar's aggregate classification.

Literature cited by the submitters: PubMed 24416283 (cited by Illumina Laboratory Services, Illumina).